The following is an entry in ClinVar:

ClinVar aggregate classification (germline): Conflicting classifications of pathogenicity. Review status: criteria provided, conflicting classifications (1 of 4 stars). 4 submissions from 4 submitters: Uncertain significance (1); Likely benign (3). Last evaluated 2025-12-22.

Conditions:
Congenital afibrinogenemia. Identifiers: Orphanet 335, Orphanet 98880, MedGen C2584774, MONDO:0008737, OMIM 202400.

Allele frequency attached by ClinVar (database versions not stated): ESP Exome Variant Server 0.00031; TOPMed 0.00048; gnomAD exomes 0.00050 and 0.00062; ExAC 0.00051; gnomAD 0.00058; 1000 Genomes Project 30x 0.00062; 1000 Genomes Project 0.00080.
gnomAD v4.1: 985 of 1,613,328 alleles (0.061%); highest among the groups gnomAD compares: Non-Finnish European, 0.073%; no homozygotes.

Submissions (4):

Labcorp Genetics (formerly Invitae), Labcorp
Classification: Likely benign. Last evaluated: 2025-12-22. Review status: criteria provided, single submitter. Criteria: Invitae Variant Classification Sherloc (09022015). Collection method: clinical testing. Allele origin: germline.

Blueprint Genetics
Classification: Likely benign. Last evaluated: 2024-11-21. Review status: criteria provided, single submitter. Criteria: ACMG Guidelines, 2015. Collection method: clinical testing. Allele origin: germline.

Women's Health and Genetics/Laboratory Corporation of America, LabCorp
Classification: Likely benign. Last evaluated: 2023-10-06. Review status: criteria provided, single submitter. Criteria: LabCorp Variant Classification Summary - May 2015. Collection method: clinical testing. Allele origin: germline.
Comment: Variant summary: FGB c.115-12C>T alters a non-conserved nucleotide located at a position not widely known to affect splicing. Consensus agreement among computation tools predict no significant impact on normal splicing. However, these predictions have yet to be confirmed by functional studies. The variant allele was found at a frequency of 0.0005 in 248346 control chromosomes. To our knowledge, no occurrence of c.115-12C>T in individuals affected with Congenital Afibrinogenemia and no experimental evidence demonstrating its impact on protein function have been reported. One submitter has cited clinical-significance assessments for this variant to ClinVar after 2014 and has classified the variant as uncertain significance. Based on the evidence outlined above, the variant was classified as likely benign.

Illumina Laboratory Services, Illumina
Classification: Uncertain significance for Congenital afibrinogenemia. Last evaluated: 2018-01-12. Review status: criteria provided, single submitter. Criteria: ICSL Variant Classification Criteria 13 December 2019. Collection method: clinical testing. Allele origin: germline.

NM_005141.5(FGB):c.115-12C>T

Gene: FGB (fibrinogen beta chain; plus strand). Cytogenetic location: 4q31.3.
Variant type: single nucleotide variant.
Coding change: c.115-12C>T on transcript NM_005141.5 (MANE Select); 12 bases into the intron before coding-DNA position 115, C replaced by T.
Molecular consequence: intron variant.
Genome position (GRCh38, 1-based): chr4:154,565,796, C>T. VCF-style: chr4-154565796-C-T. GRCh37 (hg19) VCF-style: chr4-155486948-C-T.
Other names: c.115-12C>T (NM_001184741.1).
Identifiers: ClinVar variation 901358 (VCV000901358.9), dbSNP rs187641148, ClinGen allele CA3114455.
Genomic context (GRCh38, chr4:154,565,796, plus strand): 5'-AGGGTGTTGGAATAGTTACATTCCAAATCTTCTATAACACTCTGTATTATATTTCTGCCT[C>T]ATTCCTTGTAGGGTTTCTTCAGTGCCCGTGGTCATCGACCCCTTGACAAGAAGAGAGAAG-3'